The following is an entry in ClinVar:

NM_001267550.2(TTN):c.63921G>A (p.Glu21307=)

Genes: TTN (titin; minus strand), TTN-AS1 (TTN antisense RNA 1; plus strand). Cytogenetic location: 2q31.2.
Variant type: single nucleotide variant.
Coding change: c.63921G>A on transcript NM_001267550.2 (MANE Select); coding-DNA position 63921, G replaced by A.
Protein change: p.Glu21307=; no amino-acid change (glutamic acid 21307 retained).
Molecular consequence: synonymous variant.
Genome position (GRCh38, 1-based): chr2:178,587,290, C>T on the plus strand (G>A on the coding strand, the complement: TTN is on the minus strand). VCF-style: chr2-178587290-C-T. GRCh37 (hg19) VCF-style: chr2-179452017-C-T.
Other names: c.58998G>A, p.Glu19666= (NM_001256850.1); c.36726G>A, p.Glu12242= (NM_003319.4); c.37101G>A, p.Glu12367= (NM_133432.3); c.37302G>A, p.Glu12434= (NM_133437.4); c.56217G>A, p.Glu18739= (NM_133378.4).
Identifiers: ClinVar variation 505621 (VCV000505621.19), dbSNP rs1466883677, ClinGen allele CA430264472.
Genomic context (GRCh38, chr2:178,587,290, plus strand): 5'-TACATGGAAGCTTGTTTTCTTAACTTCTGGGGTAACGGTCGACCATGTCTTTCTGTCTGC[C>T]TCACGTTTCTCCACGATATAATGTGTCACTTGGCTCCCACCGTCGTTTTCAGGAGGGGCC-3'
Protein context (NP_001254479.2, residues 21297-21317): QVTHYIVEKR[Glu21307=]ADRKTWSTVT

ClinVar aggregate classification (germline): Likely benign. Review status: criteria provided, multiple submitters, no conflicts (2 of 4 stars). 3 submissions from 3 submitters: Likely benign (3). Last evaluated 2026-05-28.

Conditions:
Dilated cardiomyopathy 1G (CMD1G). Identifiers: Orphanet 154, MedGen C1858763, MONDO:0011400, OMIM 604145.
Autosomal recessive limb-girdle muscular dystrophy type 2J (LGMDR10). Also called: MUSCULAR DYSTROPHY, LIMB-GIRDLE, AUTOSOMAL RECESSIVE 10; Limb-girdle muscular dystrophy, type 2J. Identifiers: Orphanet 140922, MedGen C1837342, MONDO:0012127, OMIM 608807.
Cardiovascular phenotype. Identifiers: MedGen CN230736.

Allele frequency attached by ClinVar (database versions not stated): TOPMed 0.00001; gnomAD exomes 0.00001; gnomAD 0.00001.
gnomAD v4.1: 10 of 1,612,988 alleles (0.00062%); highest among the groups gnomAD compares: Non-Finnish European, 0.00085%; no homozygotes.

Submissions (3):

Ambry Genetics
Classification: Likely benign for Cardiovascular phenotype. Last evaluated: 2026-05-28. Review status: criteria provided, single submitter. Criteria: Ambry Variant Classification Scheme 2023. Collection method: clinical testing. Allele origin: germline.

Labcorp Genetics (formerly Invitae), Labcorp
Classification: Likely benign for Dilated cardiomyopathy 1G; Autosomal recessive limb-girdle muscular dystrophy type 2J. Last evaluated: 2023-05-22. Review status: criteria provided, single submitter. Criteria: Invitae Variant Classification Sherloc (09022015). Collection method: clinical testing. Allele origin: germline.

Laboratory for Molecular Medicine, Mass General Brigham Personalized Medicine
Classification: Likely benign. Last evaluated: 2017-02-10. Review status: criteria provided, single submitter. Criteria: LMM Criteria. Collection method: clinical testing. Allele origin: germline. Observed: 1 variant allele.
Comment: p.Glu18739Glu in exon 256 of TTN: This variant is not expected to have clinical significance because it does not alter an amino acid residue and is not located within the splice consensus sequence.